The following is an entry in ClinVar:

ClinVar aggregate classification (germline): Uncertain significance. Review status: criteria provided, single submitter (1 of 4 stars). 2 submissions from 2 submitters: Uncertain significance (1). 1 of the submissions does not count toward it. Last evaluated 2021-08-28.

Conditions:
Retinal dystrophy. Also called: Inherited retinal dystrophy. Identifiers: Orphanet 71862, MedGen C0854723, MeSH D058499, MONDO:0019118, HP:0000556.
Bardet-Biedl syndrome (BBS). Identifiers: Orphanet 110, MedGen C0752166, MONDO:0015229.

Allele frequency attached by ClinVar (database versions not stated): gnomAD exomes below 0.00001; TOPMed below 0.00001; gnomAD 0.00001.
gnomAD v4.1: 12 of 1,571,942 alleles (0.00076%); highest among the groups gnomAD compares: Middle Eastern, 0.017%; no homozygotes.

Submissions (2):

Labcorp Genetics (formerly Invitae), Labcorp
Classification: Uncertain significance for Bardet-Biedl syndrome. Last evaluated: 2021-08-28. Review status: criteria provided, single submitter. Criteria: Invitae Variant Classification Sherloc (09022015). Collection method: clinical testing. Allele origin: germline.
Comment: This sequence change replaces glutamic acid with aspartic acid at codon 293 of the TTC8 protein (p.Glu293Asp). The glutamic acid residue is highly conserved and there is a small physicochemical difference between glutamic acid and aspartic acid. This variant also falls at the last nucleotide of exon 10, which is part of the consensus splice site for this exon. This variant is not present in population databases (ExAC no frequency). This variant has not been reported in the literature in individuals affected with TTC8-related conditions. Algorithms developed to predict the effect of missense changes on protein structure and function (SIFT, PolyPhen-2, Align-GVGD) all suggest that this variant is likely to be tolerated. Variants that disrupt the consensus splice site are a relatively common cause of aberrant splicing (PMID: 17576681, 9536098). Algorithms developed to predict the effect of sequence changes on RNA splicing suggest that this variant may disrupt the consensus splice site. In summary, the available evidence is currently insufficient to determine the role of this variant in disease. Therefore, it has been classified as a Variant of Uncertain Significance.

Institute of Human Genetics, Univ. Regensburg, Univ. Regensburg
Classification: Uncertain significance for Retinal dystrophy. Last evaluated: 2017-01-01. Review status: no assertion criteria provided. Criteria: ACMG Guidelines, 2015. Collection method: clinical testing. Allele origin: germline. Affected: yes. Not counted in ClinVar's aggregate classification.

Literature cited by the submitters: PubMed 17576681 (cited by Labcorp Genetics (formerly Invitae), Labcorp); PubMed 9536098 (cited by Labcorp Genetics (formerly Invitae), Labcorp).

NM_144596.4(TTC8):c.909G>C (p.Glu303Asp)

Gene: TTC8 (tetratricopeptide repeat domain 8; plus strand). Cytogenetic location: 14q31.3.
Variant type: single nucleotide variant.
Coding change: c.909G>C on transcript NM_144596.4 (MANE Select); coding-DNA position 909, G replaced by C.
Protein change: p.Glu303Asp; replaces glutamic acid 303 with aspartic acid.
Molecular consequence: missense variant. On other transcripts: non-coding transcript variant (1).
Genome position (GRCh38, 1-based): chr14:88,861,332, G>C. VCF-style: chr14-88861332-G-C. GRCh37 (hg19) VCF-style: chr14-89327676-G-C.
Other names: c.957G>C, p.Glu319Asp (NM_001288781.1); c.315G>C, p.Glu105Asp (NM_001288782.1); c.192G>C, p.Glu64Asp (NM_001288783.1); c.879G>C, p.Glu293Asp (NM_001366535.2, NM_198309.3); c.789G>C, p.Glu263Asp (NM_001366536.2, NM_198310.3); short protein forms E319D, E293D, E303D, E64D, E105D, E263D.
Identifiers: ClinVar variation 956791 (VCV000956791.8), dbSNP rs1413362477, ClinGen allele CA390547142.